The following is an entry in ClinVar:

ClinVar aggregate classification (germline): Uncertain significance (1 of 4 stars; one submission).

Conditions:
Cardiovascular phenotype. Identifiers: MedGen CN230736.

gnomAD v4.1: 1 of 1,612,600 alleles (0.000062%); highest among the groups gnomAD compares: Admixed American, 0.0017%; no homozygotes.

Submission:

Ambry Genetics
Classification: Uncertain significance for Cardiovascular phenotype. Last evaluated: 2025-06-01. Review status: criteria provided, single submitter. Criteria: Ambry Variant Classification Scheme 2023. Collection method: clinical testing. Allele origin: germline.
Comment: The p.I295F variant (also known as c.883A>T), located in coding exon 6 of the TBX20 gene, results from an A to T substitution at nucleotide position 883. The isoleucine at codon 295 is replaced by phenylalanine, an amino acid with highly similar properties. This amino acid position is conserved. In addition, this alteration is predicted to be tolerated by in silico analysis. Based on the available evidence, the clinical significance of this variant remains unclear.

NM_001077653.2(TBX20):c.883A>T (p.Ile295Phe)

Gene: TBX20 (T-box transcription factor 20; minus strand). Cytogenetic location: 7p14.2.
Variant type: single nucleotide variant.
Coding change: c.883A>T on transcript NM_001077653.2 (MANE Select); coding-DNA position 883, A replaced by T.
Protein change: p.Ile295Phe; replaces isoleucine 295 with phenylalanine.
Molecular consequence: missense variant.
Genome position (GRCh38, 1-based): chr7:35,231,511, T>A on the plus strand (A>T on the coding strand, the complement: TBX20 is on the minus strand). VCF-style: chr7-35231511-T-A. GRCh37 (hg19) VCF-style: chr7-35271123-T-A.
Other names: c.883A>T, p.Ile295Phe (NM_001166220.1); short protein forms I295F.
Identifiers: ClinVar variation 3966268 (VCV003966268.1).